The following is an entry in ClinVar:

ClinVar aggregate classification (germline): Uncertain significance (1 of 4 stars; one submission).

Conditions:
Inborn genetic diseases. Identifiers: MedGen C0950123, MeSH D030342.

Submission:

Ambry Genetics
Classification: Uncertain significance for Inborn genetic diseases. Last evaluated: 2024-12-08. Review status: criteria provided, single submitter. Criteria: Ambry Variant Classification Scheme 2023. Collection method: clinical testing. Allele origin: germline.
Comment: The p.E1108A variant (also known as c.3323A>C), located in coding exon 31 of the RTEL1 gene, results from an A to C substitution at nucleotide position 3323. The glutamic acid at codon 1108 is replaced by alanine, an amino acid with dissimilar properties. This amino acid position is conserved. In addition, the in silico prediction for this alteration is inconclusive. Based on the available evidence, the clinical significance of this variant remains unclear.

NM_001283009.2(RTEL1):c.3323A>C (p.Glu1108Ala)

Genes: RTEL1 (regulator of telomere elongation helicase 1; plus strand), RTEL1-TNFRSF6B (RTEL1-TNFRSF6B readthrough (NMD candidate); plus strand). Cytogenetic location: 20q13.33.
Variant type: single nucleotide variant.
Coding change: c.3323A>C on transcript NM_001283009.2 (MANE Select); coding-DNA position 3323, A replaced by C.
Protein change: p.Glu1108Ala; replaces glutamic acid 1108 with alanine.
Molecular consequence: missense variant. On other transcripts: non-coding transcript variant (1).
Genome position (GRCh38, 1-based): chr20:63,694,954, A>C. VCF-style: chr20-63694954-A-C. GRCh37 (hg19) VCF-style: chr20-62326307-A-C.
Other names: c.2654A>C, p.Glu885Ala (NM_001283010.1); c.3323A>C, p.Glu1108Ala (NM_016434.4); c.3395A>C, p.Glu1132Ala (NM_032957.5); short protein forms E1132A, E1108A, E885A.
Identifiers: ClinVar variation 3436040 (VCV003436040.1).
Genomic context (GRCh38, chr20:63,694,954, plus strand): 5'-AAGACGACGACCTCGACAAGGTGCTGGCTGTGTTGGCCGCCCTGACCACTGCAAAGCCAG[A>C]GGACTTCCCCCTGCTGCACAGCAAGTGGCCCTGGCGTGGGGAACAGCCGGTGGGGTGGGG-3'
Protein context (NP_001269938.1, residues 1098-1118): VLAALTTAKP[Glu1108Ala]DFPLLHRFSM